The following is an entry in ClinVar:

NM_007272.3(CTRC):c.492G>T (p.Trp164Cys)

Gene: CTRC (chymotrypsin C; plus strand). Cytogenetic location: 1p36.21.
Variant type: single nucleotide variant.
Coding change: c.492G>T on transcript NM_007272.3 (MANE Select); coding-DNA position 492, G replaced by T.
Protein change: p.Trp164Cys; replaces tryptophan 164 with cysteine.
Molecular consequence: missense variant.
Genome position (GRCh38, 1-based): chr1:15,443,554, G>T. VCF-style: chr1-15443554-G-T. GRCh37 (hg19) VCF-style: chr1-15770049-G-T.
Other names: short protein forms W164C.
Identifiers: ClinVar variation 2624557 (VCV002624557.2), dbSNP rs2526297512, ClinGen allele CA338566309.

ClinVar aggregate classification (germline): Uncertain significance (1 of 4 stars; one submission).

Conditions:
Hereditary pancreatitis (PCTT). Also called: PRSS1-Related Hereditary Pancreatitis; Hereditary chronic pancreatitis. Identifiers: Orphanet 676, MedGen C0238339, MONDO:0008185, OMIM 167800.

Submission:

Ambry Genetics
Classification: Uncertain significance for Hereditary pancreatitis. Last evaluated: 2023-07-23. Review status: criteria provided, single submitter. Criteria: Ambry Variant Classification Scheme 2023. Collection method: clinical testing. Allele origin: germline.
Comment: The p.W164C variant (also known as c.492G>T), located in coding exon 5 of the CTRC gene, results from a G to T substitution at nucleotide position 492. The tryptophan at codon 164 is replaced by cysteine, an amino acid with highly dissimilar properties. This amino acid position is conserved. In addition, the in silico prediction for this alteration is inconclusive. Since supporting evidence is limited at this time, the clinical significance of this alteration remains unclear.